The following is an entry in ClinVar:

NM_002691.4(POLD1):c.202+3A>G

Gene: POLD1 (DNA polymerase delta 1, catalytic subunit; plus strand). Cytogenetic location: 19q13.33.
Variant type: single nucleotide variant.
Coding change: c.202+3A>G on transcript NM_002691.4 (MANE Select); 3 bases into the intron after coding-DNA position 202, A replaced by G.
Molecular consequence: intron variant.
Genome position (GRCh38, 1-based): chr19:50,399,056, A>G. VCF-style: chr19-50399056-A-G. GRCh37 (hg19) VCF-style: chr19-50902313-A-G.
Other names: p.?; c.202+3A>G (LRG_785t1, LRG_785t2, NM_001256849.1 and 1 more transcripts).
Identifiers: ClinVar variation 383201 (VCV000383201.22), dbSNP rs375365167, ClinGen allele CA9595632.

ClinVar aggregate classification (germline): Conflicting classifications of pathogenicity. Review status: criteria provided, conflicting classifications (1 of 4 stars). 6 submissions from 6 submitters: Uncertain significance (5); Likely benign (1). Last evaluated 2026-01-06.

Conditions:
Hereditary cancer-predisposing syndrome. Also called: Neoplastic Syndromes, Hereditary; Hereditary neoplastic syndrome; Hereditary Cancer Syndrome; Tumor predisposition. Identifiers: Orphanet 140162, MedGen C0027672, MeSH D009386, MONDO:0015356.
POLD1-related polyposis and colorectal cancer syndrome (CRCS10). Also called: Colorectal cancer, susceptibility to, 10; Colorectal cancer 10; COLORECTAL CANCER, SUSCEPTIBILITY TO, ON CHROMOSOME 19q. Identifiers: Orphanet 220460, MedGen C2675481, MONDO:0012953, OMIM 612591.

Allele frequency attached by ClinVar (database versions not stated): TOPMed below 0.00001; gnomAD 0.00001; gnomAD exomes 0.00001 and 0.00003; ESP Exome Variant Server 0.00008; ExAC 0.00009.
gnomAD v4.1: 14 of 1,551,710 alleles (0.0009%); highest among the groups gnomAD compares: Non-Finnish European, 0.0012%; no homozygotes.

Submissions (6):

Labcorp Genetics (formerly Invitae), Labcorp
Classification: Likely benign for POLD1-related polyposis and colorectal cancer syndrome. Last evaluated: 2026-01-06. Review status: criteria provided, single submitter. Criteria: Invitae Variant Classification Sherloc (09022015). Collection method: clinical testing. Allele origin: germline.

Mayo Clinic Laboratories, Mayo Clinic
Classification: Uncertain significance. Last evaluated: 2025-08-29. Review status: criteria provided, single submitter. Criteria: ACMG Guidelines, 2015. Collection method: clinical testing. Allele origin: germline. Observed: 1 variant allele.

Ambry Genetics
Classification: Uncertain significance for Hereditary cancer-predisposing syndrome. Last evaluated: 2024-12-16. Review status: criteria provided, single submitter. Criteria: Ambry Variant Classification Scheme 2023. Collection method: clinical testing. Allele origin: germline.
Comment: The c.202+3A>G intronic variant results from an A to G substitution 3 nucleotides after coding exon 1 in the POLD1 gene. This nucleotide position is poorly conserved in available vertebrate species. In silico splice site analysis predicts that this alteration may weaken the native splice donor site. Based on the available evidence, the clinical significance of this variant remains unclear.

GeneDx
Classification: Uncertain significance. Last evaluated: 2024-10-22. Review status: criteria provided, single submitter. Criteria: GeneDx Variant Classification Process June 2021. Collection method: clinical testing. Allele origin: germline. Affected: yes.
Comment: Not observed at significant frequency in large population cohorts (gnomAD); Has not been previously published as pathogenic or benign to our knowledge; In silico analysis is inconclusive as to whether the variant alters gene splicing. In the absence of RNA/functional studies, the actual effect of this sequence change is unknown.

Women's Health and Genetics/Laboratory Corporation of America, LabCorp
Classification: Uncertain significance. Last evaluated: 2021-03-19. Review status: criteria provided, single submitter. Criteria: LabCorp Variant Classification Summary - May 2015. Collection method: clinical testing. Allele origin: germline.
Comment: Variant summary: POLD1 c.202+3A>G alters a non-conserved nucleotide located close to a canonical splice site and therefore could affect mRNA splicing, leading to a significantly altered protein sequence. 4/4 computational tools predict no significant impact on normal splicing. However, these predictions have yet to be confirmed by functional studies. The variant allele was found at a frequency of 2.5e-05 in 158022 control chromosomes. The available data on variant occurrences in the general population are insufficient to allow any conclusion about variant significance. To our knowledge, no occurrence of c.202+3A>G in individuals affected with Colorectal Cancer and no experimental evidence demonstrating its impact on protein function have been reported. Four clinical diagnostic laboratories have submitted clinical-significance assessments for this variant to ClinVar after 2014 without evidence for independent evaluation. Based on the evidence outlined above, the variant was classified as uncertain significance.

Quest Diagnostics Nichols Institute San Juan Capistrano
Classification: Uncertain significance. Last evaluated: 2017-01-17. Review status: criteria provided, single submitter. Criteria: Quest Diagnostics criteria. Collection method: clinical testing. Allele origin: germline.